The following is an entry in ClinVar:

ClinVar aggregate classification (germline): Benign. Review status: criteria provided, multiple submitters, no conflicts (2 of 4 stars). 24 submissions from 18 submitters: Benign (20). 4 of the submissions do not count toward it. Last evaluated 2026-02-03.

Conditions:
Inborn genetic diseases. Identifiers: MedGen C0950123, MeSH D030342.
Meacham syndrome. Also called: Meacham Winn Culler syndrome. Identifiers: Orphanet 3097, MedGen C1837026, MONDO:0012164, OMIM 608978.
Kidney disorder. Also called: Kidney disease; Kidney Diseases; renal disorder; Nephropathy; renal disease. Identifiers: MedGen C0022658, MONDO:0005240, HP:0000112.
Drash syndrome (DDS). Also called: NEPHROPATHY, WILMS TUMOR, AND GENITAL ANOMALIES; WILMS TUMOR AND PSEUDO- OR TRUE HERMAPHRODITISM. Identifiers: Orphanet 220, MedGen C0950121, MONDO:0008682, OMIM 194080.
Frasier syndrome. Identifiers: Orphanet 347, MedGen C0950122, MeSH D052159, MONDO:0007635, OMIM 136680.
Wilms tumor 1 (WT1). Also called: Wilms tumor, somatic. Identifiers: Orphanet 654, MedGen CN033288, MONDO:0008679, OMIM 194070.
11p partial monosomy syndrome (WAGR). Also called: CHROMOSOME 11p13 DELETION SYNDROME; WAGR Complex; WAGR syndrome; WAGR Spectrum Disorder. Identifiers: Orphanet 893, MedGen C0206115, MONDO:0008681, OMIM 194072.
Nephrotic syndrome, type 4 (NPHS4). Also called: Familial mesangial sclerosis; Nephrotic syndrome, early onset with diffuse mesangial sclerosis. Identifiers: Orphanet 656, MedGen C3151568, MONDO:0009733, OMIM 256370.

Allele frequency attached by ClinVar (database versions not stated): TOPMed 0.04884; ESP Exome Variant Server 0.04976; gnomAD exomes 0.00438 and 0.01162; ExAC 0.01404; gnomAD 0.04377 and 0.04693; 1000 Genomes Project 0.04493; 1000 Genomes Project 30x 0.04622.
gnomAD v4.1: 13,359 of 1,614,154 alleles (0.83%); highest among the groups gnomAD compares: African/African-American, 15%; 839 homozygotes.

Submissions (24):

Labcorp Genetics (formerly Invitae), Labcorp
Classification: Benign for Wilms tumor 1; Drash syndrome; 11p partial monosomy syndrome; Frasier syndrome. Last evaluated: 2026-02-03. Review status: criteria provided, single submitter. Criteria: Invitae Variant Classification Sherloc (09022015). Collection method: clinical testing. Allele origin: germline.

Blueprint Genetics
Classification: Benign. Last evaluated: 2024-11-27. Review status: criteria provided, single submitter. Criteria: ACMG Guidelines, 2015. Collection method: clinical testing. Allele origin: germline.

Ambry Genetics
Classification: Benign for Inborn genetic diseases. Last evaluated: 2024-10-28. Review status: criteria provided, single submitter. Criteria: Ambry Variant Classification Scheme 2023. Collection method: clinical testing. Allele origin: germline.

KCCC/NGS Laboratory, Kuwait Cancer Control Center
Classification: Benign for Wilms tumor 1. Last evaluated: 2023-07-07. Review status: criteria provided, single submitter. Criteria: ACMG Guidelines, 2015. Collection method: clinical testing. Allele origin: germline. Affected: yes.

Mayo Clinic Laboratories, Mayo Clinic
Classification: Benign. Last evaluated: 2023-03-26. Review status: criteria provided, single submitter. Criteria: ACMG Guidelines, 2015. Collection method: clinical testing. Allele origin: germline. Observed: 15 variant alleles.

Color Diagnostics, LLC DBA Color Health
Classification: Benign for Wilms tumor 1. Last evaluated: 2022-09-20. Review status: criteria provided, single submitter. Criteria: ACMG Guidelines, 2015. Collection method: clinical testing. Allele origin: germline.

Genome Diagnostics Laboratory, The Hospital for Sick Children
Classification: Benign for Kidney disorder. Last evaluated: 2021-12-08. Review status: criteria provided, single submitter. Criteria: ACMG Guidelines, 2015. Collection method: clinical testing. Allele origin: germline.

Genome-Nilou Lab
Classification: Benign for Drash syndrome. Last evaluated: 2021-12-05. Review status: criteria provided, single submitter. Criteria: ACMG Guidelines, 2015. Collection method: clinical testing. Allele origin: germline. Affected: no.

Genome-Nilou Lab
Classification: Benign for Frasier syndrome. Last evaluated: 2021-12-05. Review status: criteria provided, single submitter. Criteria: ACMG Guidelines, 2015. Collection method: clinical testing. Allele origin: germline. Affected: no.

Genome-Nilou Lab
Classification: Benign for Meacham syndrome. Last evaluated: 2021-12-05. Review status: criteria provided, single submitter. Criteria: ACMG Guidelines, 2015. Collection method: clinical testing. Allele origin: germline. Affected: no.

Genome-Nilou Lab
Classification: Benign for Nephrotic syndrome, type 4. Last evaluated: 2021-12-05. Review status: criteria provided, single submitter. Criteria: ACMG Guidelines, 2015. Collection method: clinical testing. Allele origin: germline. Affected: no.

Genome-Nilou Lab
Classification: Benign for Wilms tumor 1. Last evaluated: 2021-12-05. Review status: criteria provided, single submitter. Criteria: ACMG Guidelines, 2015. Collection method: clinical testing. Allele origin: germline. Affected: no.

Illumina Laboratory Services, Illumina
Classification: Benign for Meacham syndrome. Last evaluated: 2018-01-12. Review status: criteria provided, single submitter. Criteria: ICSL Variant Classification Criteria 13 December 2019. Collection method: clinical testing. Allele origin: germline.
Comment: This variant was observed in the ICSL laboratory as part of a predisposition screen in an ostensibly healthy population. It had not been previously curated by ICSL or reported in the Human Gene Mutation Database (HGMD: prior to June 1st, 2018), and was therefore a candidate for classification through an automated scoring system. Utilizing variant allele frequency, disease prevalence and penetrance estimates, and inheritance mode, an automated score was calculated to assess if this variant is too frequent to cause the disease. Based on the score and internal cut-off values, a variant classified as benign is not then subjected to further curation. The score for this variant resulted in a classification of benign for this disease.

Illumina Laboratory Services, Illumina
Classification: Benign for Nephrotic syndrome, type 4. Last evaluated: 2018-01-12. Review status: criteria provided, single submitter. Criteria: ICSL Variant Classification Criteria 13 December 2019. Collection method: clinical testing. Allele origin: germline.
Comment: the same text as in the submission from Illumina Laboratory Services, Illumina above.

Illumina Laboratory Services, Illumina
Classification: Benign for Wilms tumor 1. Last evaluated: 2018-01-12. Review status: criteria provided, single submitter. Criteria: ICSL Variant Classification Criteria 13 December 2019. Collection method: clinical testing. Allele origin: germline.
Comment: the same text as in the submission from Illumina Laboratory Services, Illumina above.

Athena Diagnostics
Classification: Benign. Last evaluated: 2017-10-31. Review status: criteria provided, single submitter. Criteria: Athena Diagnostics Criteria. Collection method: clinical testing. Allele origin: germline.

Women's Health and Genetics/Laboratory Corporation of America, LabCorp
Classification: Benign. Last evaluated: 2016-05-26. Review status: criteria provided, single submitter. Criteria: LabCorp Variant Classification Summary - May 2015. Collection method: clinical testing. Allele origin: germline.
Comment: Variant summary: The WT1 c.1059A>G (p.Gln353Gln) variant causes a synonymous change involving a non-conserved nucleotide with 4/5 splice prediction tools predicting no significant effect on splicing and alterations to ESE binding, although these predictions have yet to be functionally assessed. The variant of interest was observed in the large, broad control population, ExAC, with an allele frequency of 1700/121100 (109 homozygotes, 1/78, frequency: 0.014038), which significantly exceeds the estimated maximal expected allele frequency for a pathogenic WT1 variant of 1/106382 (0.0000094), suggesting this variant is likely a benign polymorphism. Therefore, the varian tof interest has been classified as Benign.

GeneDx
Classification: Benign. Last evaluated: 2016-05-12. Review status: criteria provided, single submitter. Criteria: GeneDx Variant Classification (06012015). Collection method: clinical testing. Allele origin: germline. Affected: yes.
Comment: This variant is considered likely benign or benign based on one or more of the following criteria: it is a conservative change, it occurs at a poorly conserved position in the protein, it is predicted to be benign by multiple in silico algorithms, and/or has population frequency not consistent with disease.

Breakthrough Genomics
Classification: Benign. Review status: criteria provided, single submitter. Criteria: ACMG Guidelines, 2015. Collection method: not provided. Allele origin: germline. Inheritance: Autosomal dominant inheritance. Affected: yes.

PreventionGenetics, part of Exact Sciences
Classification: Benign. Review status: criteria provided, single submitter. Criteria: ACMG Guidelines, 2015. Collection method: clinical testing. Allele origin: germline.

Clinical Genetics DNA and cytogenetics Diagnostics Lab, Erasmus MC, Erasmus Medical Center
Classification: Benign. Review status: no assertion criteria provided. Collection method: clinical testing. Allele origin: germline. Affected: yes. Study: VKGL Data-share Consensus. Not counted in ClinVar's aggregate classification.

Genome Diagnostics Laboratory, Amsterdam University Medical Center
Classification: Benign. Review status: no assertion criteria provided. Collection method: clinical testing. Allele origin: germline. Affected: yes. Study: VKGL Data-share Consensus. Not counted in ClinVar's aggregate classification.

Genome Diagnostics Laboratory, University Medical Center Utrecht
Classification: Benign. Review status: no assertion criteria provided. Collection method: clinical testing. Allele origin: germline. Affected: yes. Study: VKGL Data-share Consensus. Not counted in ClinVar's aggregate classification.

Laboratory of Diagnostic Genome Analysis, Leiden University Medical Center (LUMC)
Classification: Benign. Review status: no assertion criteria provided. Collection method: clinical testing. Allele origin: germline. Affected: yes. Study: VKGL Data-share Consensus. Not counted in ClinVar's aggregate classification.

Literature cited by the submitters: PubMed 15483024 (cited by Athena Diagnostics).

NM_024426.6(WT1):c.1074A>G (p.Gln358=)

Gene: WT1 (WT1 transcription factor; minus strand). Cytogenetic location: 11p13.
Variant type: single nucleotide variant.
Coding change: c.1074A>G on transcript NM_024426.6 (MANE Select); coding-DNA position 1074, A replaced by G.
Protein change: p.Gln358=; no amino-acid change (glutamine 358 retained).
Molecular consequence: synonymous variant. On other transcripts: 5 prime UTR variant (1), non-coding transcript variant (2).
Genome position (GRCh38, 1-based): chr11:32,399,987, T>C on the plus strand (A>G on the coding strand, the complement: WT1 is on the minus strand). VCF-style: chr11-32399987-T-C. GRCh37 (hg19) VCF-style: chr11-32421533-T-C.
Other names: p.Gln358=; c.1023A>G, p.Gln341= (NM_000378.6, NM_001407045.1, NM_001407048.1 and 1 more transcripts); c.423A>G, p.Gln141= (NM_001198551.2); c.372A>G, p.Gln124= (NM_001198552.2); c.-115A>G (NM_001367854.1); c.1068A>G, p.Gln356= (NM_001407044.1); c.1074A>G, p.Gln358= (NM_001407046.1, NM_024424.5); c.951A>G, p.Gln317= (NM_001407047.1); and 3 more.
Identifiers: ClinVar variation 261708 (VCV000261708.32), dbSNP rs2234590, ClinGen allele CA064112.